The following is an entry in ClinVar:

NM_006509.4(RELB):c.616G>A (p.Gly206Ser)

Gene: RELB (RELB proto-oncogene, NF-kB subunit; plus strand). Cytogenetic location: 19q13.32.
Variant type: single nucleotide variant.
Coding change: c.616G>A on transcript NM_006509.4 (MANE Select); coding-DNA position 616, G replaced by A.
Protein change: p.Gly206Ser; replaces glycine 206 with serine.
Molecular consequence: missense variant.
Genome position (GRCh38, 1-based): chr19:45,022,164, G>A. VCF-style: chr19-45022164-G-A. GRCh37 (hg19) VCF-style: chr19-45525422-G-A.
Other names: c.607G>A, p.Gly203Ser (NM_001411087.1); short protein forms G206S, G203S.
Identifiers: ClinVar variation 3712736 (VCV003712736.2).
Genomic context (GRCh38, chr19:45,022,164, plus strand): 5'-TGGAAGGACTGGCCTCACCGAGTCCACCCCCACAGCCTCGTGGGGAAAGACTGCACCGAC[G>A]GCATCTGCAGGGTGCGGCTCCGGCCTCACGTCAGCCCCCGGCACAGGTACCCACCCCCTG-3'
Protein context (NP_006500.2, residues 196-216): HSLVGKDCTD[Gly206Ser]ICRVRLRPHV

ClinVar aggregate classification (germline): Uncertain significance (1 of 4 stars; one submission).

Submission:

Labcorp Genetics (formerly Invitae), Labcorp
Classification: Uncertain significance. Last evaluated: 2024-03-18. Review status: criteria provided, single submitter. Criteria: Invitae Variant Classification Sherloc (09022015). Collection method: clinical testing. Allele origin: germline.
Comment: This sequence change replaces glycine, which is neutral and non-polar, with serine, which is neutral and polar, at codon 206 of the RELB protein (p.Gly206Ser). This variant is present in population databases (rs377088684, gnomAD 0.01%). This variant has not been reported in the literature in individuals affected with RELB-related conditions. An algorithm developed to predict the effect of missense changes on protein structure and function (PolyPhen-2) suggests that this variant is likely to be disruptive. In summary, the available evidence is currently insufficient to determine the role of this variant in disease. Therefore, it has been classified as a Variant of Uncertain Significance.